The following is an entry in ClinVar:

NM_005228.5(EGFR):c.3422C>G (p.Thr1141Ser)

Gene: EGFR (epidermal growth factor receptor; plus strand). Cytogenetic location: 7p11.2.
Variant type: single nucleotide variant.
Coding change: c.3422C>G on transcript NM_005228.5 (MANE Select); coding-DNA position 3422, C replaced by G.
Protein change: p.Thr1141Ser; replaces threonine 1141 with serine.
Molecular consequence: missense variant.
Genome position (GRCh38, 1-based): chr7:55,205,406, C>G. VCF-style: chr7-55205406-C-G. GRCh37 (hg19) VCF-style: chr7-55273099-C-G.
Other names: c.3287C>G, p.Thr1096Ser (NM_001346899.2); c.3263C>G, p.Thr1088Ser (NM_001346900.2); c.2621C>G, p.Thr874Ser (NM_001346941.2); short protein forms T1088S, T874S, T1096S, T1141S.
Identifiers: ClinVar variation 2006889 (VCV002006889.5), dbSNP rs2128975332, ClinGen allele CA367584584.

ClinVar aggregate classification (germline): Uncertain significance. Review status: criteria provided, multiple submitters, no conflicts (2 of 4 stars). 2 submissions from 2 submitters: Uncertain significance (2). Last evaluated 2025-04-12.

Conditions:
Hereditary cancer-predisposing syndrome. Also called: Hereditary neoplastic syndrome; Hereditary Cancer Syndrome; Tumor predisposition; Neoplastic Syndromes, Hereditary. Identifiers: Orphanet 140162, MedGen C0027672, MeSH D009386, MONDO:0015356.
EGFR-related lung cancer (EGFR). Identifiers: MedGen CN130014.

Submissions (2):

Ambry Genetics
Classification: Uncertain significance for Hereditary cancer-predisposing syndrome. Last evaluated: 2025-04-12. Review status: criteria provided, single submitter. Criteria: Ambry Variant Classification Scheme 2023. Collection method: clinical testing. Allele origin: germline.
Comment: The p.T1141S variant (also known as c.3422C>G), located in coding exon 28 of the EGFR gene, results from a C to G substitution at nucleotide position 3422. The threonine at codon 1141 is replaced by serine, an amino acid with similar properties. This amino acid position is conserved. In addition, this alteration is predicted to be tolerated by in silico analysis. Based on the available evidence, the clinical significance of this variant remains unclear.

Labcorp Genetics (formerly Invitae), Labcorp
Classification: Uncertain significance for EGFR-related lung cancer. Last evaluated: 2022-06-15. Review status: criteria provided, single submitter. Criteria: Invitae Variant Classification Sherloc (09022015). Collection method: clinical testing. Allele origin: germline.
Comment: Algorithms developed to predict the effect of missense changes on protein structure and function (SIFT, PolyPhen-2, Align-GVGD) all suggest that this variant is likely to be tolerated. In summary, the available evidence is currently insufficient to determine the role of this variant in disease. Therefore, it has been classified as a Variant of Uncertain Significance. This variant has not been reported in the literature in individuals affected with EGFR-related conditions. This variant is not present in population databases (gnomAD no frequency). This sequence change replaces threonine, which is neutral and polar, with serine, which is neutral and polar, at codon 1141 of the EGFR protein (p.Thr1141Ser).